The following is an entry in ClinVar:

NM_006206.6(PDGFRA):c.433T>A (p.Ser145Thr)

Gene: PDGFRA (platelet derived growth factor receptor alpha; plus strand). Cytogenetic location: 4q12.
Variant type: single nucleotide variant.
Coding change: c.433T>A on transcript NM_006206.6 (MANE Select); coding-DNA position 433, T replaced by A.
Protein change: p.Ser145Thr; replaces serine 145 with threonine.
Molecular consequence: missense variant.
Genome position (GRCh38, 1-based): chr4:54,263,732, T>A. VCF-style: chr4-54263732-T-A. GRCh37 (hg19) VCF-style: chr4-55129899-T-A.
Other names: c.433T>A, p.Ser145Thr (NM_001347827.2, NM_001347829.2); c.508T>A, p.Ser170Thr (NM_001347828.2); c.472T>A, p.Ser158Thr (NM_001347830.2); short protein forms S145T, S170T, S158T.
Identifiers: ClinVar variation 573637 (VCV000573637.10), dbSNP rs1560468932, ClinGen allele CA356889817.

ClinVar aggregate classification (germline): Uncertain significance. Review status: criteria provided, multiple submitters, no conflicts (2 of 4 stars). 2 submissions from 2 submitters: Uncertain significance (2). Last evaluated 2025-04-19.

Conditions:
Hereditary cancer-predisposing syndrome. Also called: Hereditary Cancer Syndrome; Tumor predisposition; Neoplastic Syndromes, Hereditary; Hereditary neoplastic syndrome. Identifiers: Orphanet 140162, MedGen C0027672, MeSH D009386, MONDO:0015356.
Gastrointestinal stromal tumor. Also called: Gastrointestinal stromal tumor, somatic; Gastrointestinal stroma tumor. Identifiers: Orphanet 44890, MedGen C0238198, MeSH D046152, MONDO:0011719, OMIM 606764, HP:0100723.

Submissions (2):

Ambry Genetics
Classification: Uncertain significance for Hereditary cancer-predisposing syndrome. Last evaluated: 2025-04-19. Review status: criteria provided, single submitter. Criteria: Ambry Variant Classification Scheme 2023. Collection method: clinical testing. Allele origin: germline.
Comment: The p.S145T variant (also known as c.433T>A), located in coding exon 3 of the PDGFRA gene, results from a T to A substitution at nucleotide position 433. The serine at codon 145 is replaced by threonine, an amino acid with similar properties. This amino acid position is conserved. In addition, this alteration is predicted to be tolerated by in silico analysis. Based on the available evidence, the clinical significance of this variant remains unclear.

Labcorp Genetics (formerly Invitae), Labcorp
Classification: Uncertain significance for Gastrointestinal stromal tumor. Last evaluated: 2024-12-04. Review status: criteria provided, single submitter. Criteria: Invitae Variant Classification Sherloc (09022015). Collection method: clinical testing. Allele origin: germline.
Comment: This sequence change replaces serine, which is neutral and polar, with threonine, which is neutral and polar, at codon 145 of the PDGFRA protein (p.Ser145Thr). This variant is not present in population databases (gnomAD no frequency). This variant has not been reported in the literature in individuals affected with PDGFRA-related conditions. ClinVar contains an entry for this variant (Variation ID: 573637). Invitae Evidence Modeling of protein sequence and biophysical properties (such as structural, functional, and spatial information, amino acid conservation, physicochemical variation, residue mobility, and thermodynamic stability) indicates that this missense variant is not expected to disrupt PDGFRA protein function with a negative predictive value of 80%. In summary, the available evidence is currently insufficient to determine the role of this variant in disease. Therefore, it has been classified as a Variant of Uncertain Significance.